The following is an entry in ClinVar:

ClinVar aggregate classification (germline): Uncertain significance. Review status: criteria provided, multiple submitters, no conflicts (2 of 4 stars). 6 submissions from 6 submitters: Uncertain significance (5). 1 of the submissions does not count toward it. Last evaluated 2026-02-05.

Conditions:
Cardiac arrhythmia. Also called: Arrhythmia; Cardiac rhythm disease. Identifiers: MedGen C0003811, MONDO:0007263, HP:0011675.
Familial long QT syndrome (RWS). Also called: Congenital long QT syndrome; Romano-Ward syndrome; VENTRICULAR FIBRILLATION WITH PROLONGED QT INTERVAL. Identifiers: Orphanet 768, MedGen C1141890, MONDO:0019171.
Long QT syndrome (LQTS). Identifiers: MedGen C0023976, MeSH D008133, MONDO:0002442. Disease mechanism: loss of function. Inheritance: Various modes of inheritance.

Allele frequency attached by ClinVar (database versions not stated): ExAC 0.00001; gnomAD exomes below 0.00001.
gnomAD v4.1: 1 of 1,612,908 alleles (0.000062%); highest among the groups gnomAD compares: Non-Finnish European, 0.000085%; no homozygotes.

Submissions (6):

GeneDx
Classification: Uncertain significance. Last evaluated: 2026-02-05. Review status: criteria provided, single submitter. Criteria: GeneDx Variant Classification Process June 2021. Collection method: clinical testing. Allele origin: germline. Affected: yes.
Comment: Reported in a newborn with bradycardia but a normal QT interval on EKG; found to be inherited from the clinically unaffected father (PMID: 16379539); Not observed at significant frequency in large population cohorts (gnomAD); Published functional studies in HEK293 cells demonstrate this variant may affect normal protein trafficking; however, the clinical validity of these studies remains to be determined, and further functional evidence is needed to clarify the role of this variant in human disease (PMID: 25417810); In silico analysis supports that this missense variant has a deleterious effect on protein structure/function; This variant is associated with the following publications: (PMID: 22581653, 16379539, 25417810)

Color Diagnostics, LLC DBA Color Health
Classification: Uncertain significance for Cardiac arrhythmia. Last evaluated: 2025-09-22. Review status: criteria provided, single submitter. Criteria: ACMG Guidelines, 2015. Collection method: clinical testing. Allele origin: germline.
Comment: This missense variant replaces serine with leucine at codon 735 of the KCNH2 protein. Computational prediction is inconclusive regarding the impact of this variant on protein structure and function. A functional study has shown the mutant protein to exhibit trafficking deficiency and a partial dominant negative effect (PMID: 25417810). This variant has been reported in an infant with suspected long QT syndrome (PMID: 16379539). This variant has been identified in 1/249096 chromosomes in the general population by the Genome Aggregation Database (gnomAD). The available evidence is insufficient to determine the role of this variant in disease conclusively. Therefore, this variant is classified as a Variant of Uncertain Significance.

Blueprint Genetics
Classification: Uncertain significance. Last evaluated: 2023-11-20. Review status: criteria provided, single submitter. Criteria: ACMG Guidelines, 2015. Collection method: clinical testing. Allele origin: germline.

All of Us Research Program, National Institutes of Health
Classification: Uncertain significance for Long QT syndrome. Last evaluated: 2023-02-24. Review status: criteria provided, single submitter. Criteria: ACMG Guidelines, 2015. Collection method: clinical testing. Allele origin: germline. Inheritance: Autosomal dominant inheritance. Observed: 1 variant allele, 1 heterozygote.
Comment: This missense variant replaces serine with leucine at codon 735 of the KCNH2 protein. Computational prediction is inconclusive regarding the impact of this variant on protein structure and function (internally defined REVEL score threshold 0.5 < inconclusive < 0.7, PMID: 27666373). In vitro functional studies in HEK293 cells suggest that this variant may impact protein trafficking (PMID: 25417810), however the clinical relevance of this observation is unknown. This variant has been reported in an infant with suspected long QT syndrome (PMID: 16379539). This variant has been identified in 1/249096 chromosomes in the general population by the Genome Aggregation Database (gnomAD). The available evidence is insufficient to determine the role of this variant in disease conclusively. Therefore, this variant is classified as a Variant of Uncertain Significance.

This study involves interpretation of variants in research participants for the purpose of population health screening. Participant phenotype was not available at the time of variant classification. Additional details can be found in publication PMID: 35346344, PMCID: PMC8962531

Labcorp Genetics (formerly Invitae), Labcorp
Classification: Uncertain significance for Long QT syndrome. Last evaluated: 2015-06-15. Review status: criteria provided, single submitter. Criteria: Invitae Variant Classification Sherloc (09022015). Collection method: clinical testing. Allele origin: germline.
Comment: In summary, this is a rare missense change with uncertain impact on protein function. It has been classified as a Variant of Uncertain Significance. Algorithms developed to predict the effect of missense changes on protein structure and function do not agree on the potential impact of this missense change (SIFT: "Deleterious"; PolyPhen-2: "Benign"; Align-GVGD: "Class C15"). Experimental studies have shown that this missense change may affect normal protein trafficking (PMID: 25417810), but the clinical significance of the this observation is uncertain. This variant has been reported in the literature and is present in population databases (rs199472988, <0.01%). It was reported in an newborn with bradycardia, and was observed in the newborn's clinically unaffected father (PMID: 16379539). This sequence change replaces serine with leucine at codon 735 of the KCNH2 protein (p.Ser735Leu). The serine residue is highly conserved and there is a large physicochemical difference between serine and leucine.

Cardiovascular Biomedical Research Unit, Royal Brompton & Harefield NHS Foundation Trust
No classification provided. Condition: Familial long QT syndrome. Review status: no classification provided. Collection method: literature only. Allele origin: germline. Not counted in ClinVar's aggregate classification.
Comment: This variant has been reported as associated with Long QT syndrome in the following publications (PMID:16379539). This is a literature report, and does not necessarily reflect the clinical interpretation of the Imperial College / Royal Brompton Cardiovascular Genetics laboratory.

Literature cited by the submitters: PubMed 16379539 (cited by 4 submitters); PubMed 25417810 (cited by 3 submitters); PubMed 22581653 (cited by Cardiovascular Biomedical Research Unit, Royal Brompton & Harefield NHS Foundation Trust).

NM_000238.4(KCNH2):c.2204C>T (p.Ser735Leu)

Gene: KCNH2 (potassium voltage-gated channel subfamily H member 2; minus strand). Cytogenetic location: 7q36.1.
Variant type: single nucleotide variant.
Coding change: c.2204C>T on transcript NM_000238.4 (MANE Select); coding-DNA position 2204, C replaced by T.
Protein change: p.Ser735Leu; replaces serine 735 with leucine.
Molecular consequence: missense variant.
Genome position (GRCh38, 1-based): chr7:150,950,362, G>A on the plus strand (C>T on the coding strand, the complement: KCNH2 is on the minus strand). VCF-style: chr7-150950362-G-A. GRCh37 (hg19) VCF-style: chr7-150647450-G-A.
Other names: p.S735L:TCA>TTA; c.2204C>T (LRG_288t1); c.1184C>T, p.Ser395Leu (NM_001204798.2, NM_172057.3); c.1916C>T, p.Ser639Leu (NM_001406753.1, NM_001406756.1); c.2027C>T, p.Ser676Leu (NM_001406755.1); c.1904C>T, p.Ser635Leu (NM_001406757.1); c.2204C>T, p.Ser735Leu (NM_172056.3); short protein forms S395L, S735L, S635L, S639L, S676L.
Identifiers: ClinVar variation 67374 (VCV000067374.11), dbSNP rs199472988, ClinGen allele CA006346.
Genomic context (GRCh38, chr7:150,950,362, plus strand): 5'-GCCAGGGCCCGAAGGCAGCCCTTGGTGGCCCCTCGGAAGGGTTTGCAGTGCTGCAGCAGT[G>A]AGCGGTTCAGGTGCAGGCAGATGTCAGCCTGCAGGCACTCAGGGAAGCCCTTCAGCACCT-3'
Protein context (NP_000229.1, residues 725-745): QADICLHLNR[Ser735Leu]LLQHCKPFRG